The following is an entry in ClinVar:

ClinVar aggregate classification (germline): Uncertain significance (1 of 4 stars; one submission).

Conditions:
Pitt-Hopkins-like syndrome 2 (PTHSL2). Identifiers: Orphanet 221150, Orphanet 600663, MedGen C3280479, MONDO:0013690, OMIM 614325.

Allele frequency attached by ClinVar (database versions not stated): gnomAD exomes below 0.00001.
gnomAD v4.1: 1 of 1,593,640 alleles (0.000063%); highest among the groups gnomAD compares: Non-Finnish European, 0.000086%; no homozygotes.

Submission:

Centre for Mendelian Genomics, University Medical Centre Ljubljana
Classification: Uncertain significance for Pitt-Hopkins-like syndrome 2. Last evaluated: 2018-10-22. Review status: criteria provided, single submitter. Criteria: ACMG Guidelines, 2015. Collection method: clinical testing. Allele origin: unknown. Affected: yes.
Comment: This variant was classified as: Uncertain significance. The available evidence on this variant's pathogenicity is insufficient or conflicting. The following ACMG criteria were applied in classifying this variant: PM2,PP3.

NM_001330078.2(NRXN1):c.772+1116A>G

Gene: NRXN1 (neurexin 1; minus strand). Cytogenetic location: 2p16.3.
Variant type: single nucleotide variant.
Coding change: c.772+1116A>G on transcript NM_001330078.2 (MANE Select); 1116 bases into the intron after coding-DNA position 772, A replaced by G.
Molecular consequence: intron variant. On other transcripts: missense variant (1).
Genome position (GRCh38, 1-based): chr2:51,026,386, T>C on the plus strand (A>G on the coding strand, the complement: NRXN1 is on the minus strand). VCF-style: chr2-51026386-T-C. GRCh37 (hg19) VCF-style: chr2-51253524-T-C.
Other names: c.856A>G, p.Lys286Glu (NM_001135659.3); c.772+1116A>G (NM_001330096.2, NM_001330087.2, NM_001330083.2 and 14 more transcripts); short protein forms K286E.
Identifiers: ClinVar variation 930930 (VCV000930930.3), dbSNP rs1670472537, ClinGen allele CA346823040.